The following is an entry in ClinVar:

NM_005228.5(EGFR):c.1904_1905delinsTA (p.Gly635Val)

Gene: EGFR (epidermal growth factor receptor; plus strand). Cytogenetic location: 7p11.2.
Variant type: Indel.
Coding change: c.1904_1905delinsTA on transcript NM_005228.5 (MANE Select); coding-DNA positions 1904 to 1905, GC replaced by TA.
Protein change: p.Gly635Val; replaces glycine 635 with valine.
Molecular consequence: missense variant.
Genome position (GRCh38, 1-based): chr7:55,171,198-55,171,199, GC replaced by TA. VCF-style: chr7-55171198-GC-TA. GRCh37 (hg19) VCF-style: chr7-55238891-GC-TA.
Other names: c.1769_1770delinsTA, p.Gly590Val (NM_001346897.2, NM_001346899.2); c.1904_1905delinsTA, p.Gly635Val (NM_001346898.2); c.1745_1746delinsTA, p.Gly582Val (NM_001346900.2); c.1103_1104delinsTA, p.Gly368Val (NM_001346941.2); short protein forms G368V, G590V, G582V, G635V.
Identifiers: ClinVar variation 1374631 (VCV001374631.6), dbSNP rs2128951392, ClinGen allele CA2573142215.

ClinVar aggregate classification (germline): Uncertain significance (1 of 4 stars; one submission).

Conditions:
EGFR-related lung cancer (EGFR). Identifiers: MedGen CN130014.

Submission:

Labcorp Genetics (formerly Invitae), Labcorp
Classification: Uncertain significance for EGFR-related lung cancer. Last evaluated: 2025-07-18. Review status: criteria provided, single submitter. Criteria: Invitae Variant Classification Sherloc (09022015). Collection method: clinical testing. Allele origin: germline.
Comment: This sequence change replaces glycine, which is neutral and non-polar, with valine, which is neutral and non-polar, at codon 635 of the EGFR protein (p.Gly635Val). Information on the frequency of this variant in the gnomAD database is not available, as this variant may be reported differently in the database. This variant has not been reported in the literature in individuals affected with EGFR-related conditions. ClinVar contains an entry for this variant (Variation ID: 1374631). An algorithm developed to predict the effect of missense changes on protein structure and function (PolyPhen-2) suggests that this variant is likely to be disruptive. In summary, the available evidence is currently insufficient to determine the role of this variant in disease. Therefore, it has been classified as a Variant of Uncertain Significance.